The following is an entry in ClinVar:

NM_005235.3(ERBB4):c.667G>A (p.Gly223Arg)

Gene: ERBB4 (erb-b2 receptor tyrosine kinase 4; minus strand). Cytogenetic location: 2q34.
Variant type: single nucleotide variant.
Coding change: c.667G>A on transcript NM_005235.3 (MANE Select); coding-DNA position 667, G replaced by A.
Protein change: p.Gly223Arg; replaces glycine 223 with arginine.
Molecular consequence: missense variant.
Genome position (GRCh38, 1-based): chr2:211,725,150, C>T on the plus strand (G>A on the coding strand, the complement: ERBB4 is on the minus strand). VCF-style: chr2-211725150-C-T. GRCh37 (hg19) VCF-style: chr2-212589875-C-T.
Other names: c.667G>A, p.Gly223Arg (NM_001042599.2); short protein forms G223R.
Identifiers: ClinVar variation 3716164 (VCV003716164.2).
Genomic context (GRCh38, chr2:211,725,150, plus strand): 5'-CCTTAGGTCCTGAGCAGCCTCCAGCACATTCTCGATGGCAGCAGTCACTGACGTAAGGTC[C>T]GTAGCATCTGCCGTCACATTGTTCTGCACACACCGTCCTTGTCACTGCAGAAGACAGAGA-3'
Protein context (NP_005226.1, residues 213-233): CAEQCDGRCY[Gly223Arg]PYVSDCCHRE

ClinVar aggregate classification (germline): Uncertain significance (1 of 4 stars; one submission).

gnomAD v4.1: 33 of 1,613,864 alleles (0.002%); highest among the groups gnomAD compares: Non-Finnish European, 0.0026%; no homozygotes.

Submission:

Labcorp Genetics (formerly Invitae), Labcorp
Classification: Uncertain significance. Last evaluated: 2024-11-22. Review status: criteria provided, single submitter. Criteria: Invitae Variant Classification Sherloc (09022015). Collection method: clinical testing. Allele origin: germline.
Comment: This sequence change replaces glycine, which is neutral and non-polar, with arginine, which is basic and polar, at codon 223 of the ERBB4 protein (p.Gly223Arg). This variant is present in population databases (rs758827443, gnomAD 0.0009%). This variant has not been reported in the literature in individuals affected with ERBB4-related conditions. Invitae Evidence Modeling of protein sequence and biophysical properties (such as structural, functional, and spatial information, amino acid conservation, physicochemical variation, residue mobility, and thermodynamic stability) indicates that this missense variant is expected to disrupt ERBB4 protein function with a positive predictive value of 80%. In summary, the available evidence is currently insufficient to determine the role of this variant in disease. Therefore, it has been classified as a Variant of Uncertain Significance.